The following is an entry in ClinVar:

ClinVar aggregate classification (germline): Uncertain significance. Review status: criteria provided, multiple submitters, no conflicts (2 of 4 stars). 2 submissions from 2 submitters: Uncertain significance (2). Last evaluated 2025-11-02.

Allele frequency attached by ClinVar (database versions not stated): gnomAD 0.00001; TOPMed 0.00005.
gnomAD v4.1: 5 of 1,612,988 alleles (0.00031%); highest among the groups gnomAD compares: Admixed American, 0.0017%; no homozygotes.

Submissions (2):

Ambry Genetics
Classification: Uncertain significance. Last evaluated: 2025-11-02. Review status: criteria provided, single submitter. Criteria: Ambry Variant Classification Scheme 2023. Collection method: clinical testing. Allele origin: germline.

Labcorp Genetics (formerly Invitae), Labcorp
Classification: Uncertain significance. Last evaluated: 2024-10-25. Review status: criteria provided, single submitter. Criteria: Invitae Variant Classification Sherloc (09022015). Collection method: clinical testing. Allele origin: germline.
Comment: This sequence change replaces histidine, which is basic and polar, with tyrosine, which is neutral and polar, at codon 190 of the AK7 protein (p.His190Tyr). This variant is present in population databases (no rsID available, gnomAD 0.004%). This variant has not been reported in the literature in individuals affected with AK7-related conditions. ClinVar contains an entry for this variant (Variation ID: 1938122). Invitae Evidence Modeling of protein sequence and biophysical properties (such as structural, functional, and spatial information, amino acid conservation, physicochemical variation, residue mobility, and thermodynamic stability) indicates that this missense variant is not expected to disrupt AK7 protein function with a negative predictive value of 80%. In summary, the available evidence is currently insufficient to determine the role of this variant in disease. Therefore, it has been classified as a Variant of Uncertain Significance.

NM_152327.5(AK7):c.568C>T (p.His190Tyr)

Gene: AK7 (adenylate kinase 7; plus strand). Cytogenetic location: 14q32.2.
Variant type: single nucleotide variant.
Coding change: c.568C>T on transcript NM_152327.5 (MANE Select); coding-DNA position 568, C replaced by T.
Protein change: p.His190Tyr; replaces histidine 190 with tyrosine.
Molecular consequence: missense variant.
Genome position (GRCh38, 1-based): chr14:96,420,891, C>T. VCF-style: chr14-96420891-C-T. GRCh37 (hg19) VCF-style: chr14-96887228-C-T.
Other names: c.568C>T (NM_152327.2); c.568C>T, p.His190Tyr (NM_001350892.2, NM_001350888.2, NM_001350890.2 and 1 more transcripts); short protein forms H190Y.
Identifiers: ClinVar variation 1938122 (VCV001938122.5), dbSNP rs1174648958, ClinGen allele CA390919923.